The following is an entry in ClinVar:

NM_138691.3(TMC1):c.78_82del (p.Glu26fs)

Gene: TMC1 (transmembrane channel like 1; plus strand). Cytogenetic location: 9q21.13.
Variant type: Deletion.
Coding change: c.78_82del on transcript NM_138691.3 (MANE Select); coding-DNA positions 78 to 82, 5 bases deleted (GGAGG; older notation c.78_82delGGAGG).
Protein change: p.Glu26fs; shifts the reading frame from glutamic acid 26.
Molecular consequence: frameshift variant.
Genome position (GRCh38, 1-based): chr9:72,694,556-72,694,560, GGAGG deleted. VCF-style (leftmost placement, unchanged base first): chr9-72694555-AGGAGG-A. GRCh37 (hg19) VCF-style: chr9-75309471-AGGAGG-A.
Other names: short protein forms E26fs.
Identifiers: ClinVar variation 3601917 (VCV003601917.1).

ClinVar aggregate classification (germline): Likely pathogenic (1 of 4 stars; one submission).

Conditions:
Autosomal recessive nonsyndromic hearing loss 7. Also called: DEAFNESS, AUTOSOMAL RECESSIVE 11. Identifiers: Orphanet 90636, MedGen C1832978, MONDO:0010967, OMIM 600974.

Submission:

Institute of Rare Diseases, West China Hospital, Sichuan University
Classification: Likely pathogenic for Autosomal recessive nonsyndromic hearing loss 7. Last evaluated: 2025-01-09. Review status: criteria provided, single submitter. Criteria: ClinGen HL ACMG Specifications v1. Collection method: research. Allele origin: germline. Affected: yes.
Comment: PVS1;PM2_Supporting